The following is an entry in ClinVar:

ClinVar aggregate classification (germline): Likely benign. Review status: criteria provided, multiple submitters, no conflicts (2 of 4 stars). 2 submissions from 2 submitters: Likely benign (2). Last evaluated 2023-10-12.

Conditions:
Hereditary spastic paraplegia 28. Also called: Spastic paraplegia 28, autosomal recessive. Identifiers: Orphanet 101008, MedGen C1836295, MONDO:0012256, OMIM 609340.

Allele frequency attached by ClinVar (database versions not stated): TOPMed 0.00002; gnomAD exomes 0.00006.
gnomAD v4.1: 6 of 1,435,662 alleles (0.00042%); highest among the groups gnomAD compares: Non-Finnish European, 0.00045%; no homozygotes.

Submissions (2):

Labcorp Genetics (formerly Invitae), Labcorp
Classification: Likely benign for Hereditary spastic paraplegia 28. Last evaluated: 2023-10-12. Review status: criteria provided, single submitter. Criteria: Invitae Variant Classification Sherloc (09022015). Collection method: clinical testing. Allele origin: germline.

GeneDx
Classification: Likely benign. Last evaluated: 2016-07-26. Review status: criteria provided, single submitter. Criteria: GeneDx Variant Classification (06012015). Collection method: clinical testing. Allele origin: germline. Affected: yes.
Comment: This variant is considered likely benign or benign based on one or more of the following criteria: it is a conservative change, it occurs at a poorly conserved position in the protein, it is predicted to be benign by multiple in silico algorithms, and/or has population frequency not consistent with disease.

NM_001160148.2(DDHD1):c.12G>A (p.Pro4=)

Gene: DDHD1 (DDHD domain containing 1; minus strand). Cytogenetic location: 14q22.1.
Variant type: single nucleotide variant.
Coding change: c.12G>A on transcript NM_001160148.2 (MANE Select); coding-DNA position 12, G replaced by A.
Protein change: p.Pro4=; no amino-acid change (proline 4 retained).
Molecular consequence: synonymous variant.
Genome position (GRCh38, 1-based): chr14:53,153,087, C>T on the plus strand (G>A on the coding strand, the complement: DDHD1 is on the minus strand). VCF-style: chr14-53153087-C-T. GRCh37 (hg19) VCF-style: chr14-53619805-C-T.
Other names: c.12G>A, p.Pro4= (NM_001160147.2, NM_030637.3).
Identifiers: ClinVar variation 387633 (VCV000387633.7), dbSNP rs973574548, ClinGen allele CA16607663.